The following is an entry in ClinVar:

ClinVar aggregate classification (germline): Uncertain significance (1 of 4 stars; one submission).

Allele frequency attached by ClinVar (database versions not stated): gnomAD exomes below 0.00001.
gnomAD v4.1: 1 of 1,613,722 alleles (0.000062%); highest among the groups gnomAD compares: Non-Finnish European, 0.000085%; no homozygotes.

Submission:

Labcorp Genetics (formerly Invitae), Labcorp
Classification: Uncertain significance. Last evaluated: 2021-11-22. Review status: criteria provided, single submitter. Criteria: Invitae Variant Classification Sherloc (09022015). Collection method: clinical testing. Allele origin: germline.
Comment: Algorithms developed to predict the effect of missense changes on protein structure and function are either unavailable or do not agree on the potential impact of this missense change (SIFT: "Tolerated"; PolyPhen-2: "Probably Damaging"; Align-GVGD: "Class C0"). This variant has not been reported in the literature in individuals affected with MTHFD1-related conditions. This variant is not present in population databases (gnomAD no frequency). This sequence change replaces phenylalanine, which is neutral and non-polar, with isoleucine, which is neutral and non-polar, at codon 919 of the MTHFD1 protein (p.Phe919Ile). In summary, the available evidence is currently insufficient to determine the role of this variant in disease. Therefore, it has been classified as a Variant of Uncertain Significance.

NM_005956.4(MTHFD1):c.2755T>A (p.Phe919Ile)

Genes: MTHFD1 (methylenetetrahydrofolate dehydrogenase, cyclohydrolase and formyltetrahydrofolate synthetase 1; plus strand), ZBTB25 (zinc finger and BTB domain containing 25; minus strand). Cytogenetic location: 14q23.3.
Variant type: single nucleotide variant.
Coding change: c.2755T>A on transcript NM_005956.4 (MANE Select); coding-DNA position 2755, T replaced by A.
Protein change: p.Phe919Ile; replaces phenylalanine 919 with isoleucine.
Molecular consequence: missense variant. On other transcripts: intron variant (2).
Genome position (GRCh38, 1-based): chr14:64,458,250, T>A. VCF-style: chr14-64458250-T-A. GRCh37 (hg19) VCF-style: chr14-64924968-T-A.
Other names: c.2719-1509T>A (NM_001364837.1); c.174-8612A>T (NM_001304508.1); short protein forms F919I.
Identifiers: ClinVar variation 1385065 (VCV001385065.7), dbSNP rs2140993701, ClinGen allele CA390004788.